The following is an entry in ClinVar:

NM_014285.7(EXOSC2):c.518A>T (p.Gln173Leu)

Gene: EXOSC2 (exosome component 2; plus strand). Cytogenetic location: 9q34.12.
Variant type: single nucleotide variant.
Coding change: c.518A>T on transcript NM_014285.7 (MANE Select); coding-DNA position 518, A replaced by T.
Protein change: p.Gln173Leu; replaces glutamine 173 with leucine.
Molecular consequence: missense variant. On other transcripts: non-coding transcript variant (1).
Genome position (GRCh38, 1-based): chr9:130,702,156, A>T. VCF-style: chr9-130702156-A-T. GRCh37 (hg19) VCF-style: chr9-133577543-A-T.
Other names: c.440A>T, p.Gln147Leu (NM_001282708.1); c.428A>T, p.Gln143Leu (NM_001282709.1); short protein forms Q143L, Q147L, Q173L.
Identifiers: ClinVar variation 1004447 (VCV001004447.9), dbSNP rs776349352, ClinGen allele CA5284910.

ClinVar aggregate classification (germline): Uncertain significance (1 of 4 stars; one submission).

Allele frequency attached by ClinVar (database versions not stated): gnomAD exomes below 0.00001; TOPMed below 0.00001; ExAC 0.00001; gnomAD 0.00001.

Submission:

Labcorp Genetics (formerly Invitae), Labcorp
Classification: Uncertain significance. Last evaluated: 2020-02-26. Review status: criteria provided, single submitter. Criteria: Invitae Variant Classification Sherloc (09022015). Collection method: clinical testing. Allele origin: germline.
Comment: In summary, the available evidence is currently insufficient to determine the role of this variant in disease. Therefore, it has been classified as a Variant of Uncertain Significance. Algorithms developed to predict the effect of missense changes on protein structure and function (SIFT, PolyPhen-2, Align-GVGD) all suggest that this variant is likely to be tolerated, but these predictions have not been confirmed by published functional studies and their clinical significance is uncertain. This variant has not been reported in the literature in individuals with EXOSC2-related conditions. This variant is present in population databases (rs776349352, ExAC 0.01%). This sequence change replaces glutamine with leucine at codon 173 of the EXOSC2 protein (p.Gln173Leu). The glutamine residue is moderately conserved and there is a moderate physicochemical difference between glutamine and leucine.